The following is an entry in ClinVar:

NM_005188.4(CBL):c.1634C>T (p.Pro545Leu)

Gene: CBL (Cbl proto-oncogene; plus strand). Cytogenetic location: 11q23.3.
Variant type: single nucleotide variant.
Coding change: c.1634C>T on transcript NM_005188.4 (MANE Select); coding-DNA position 1634, C replaced by T.
Protein change: p.Pro545Leu; replaces proline 545 with leucine.
Molecular consequence: missense variant.
Genome position (GRCh38, 1-based): chr11:119,285,259, C>T. VCF-style: chr11-119285259-C-T. GRCh37 (hg19) VCF-style: chr11-119155969-C-T.
Other names: short protein forms P545L.
Identifiers: ClinVar variation 962108 (VCV000962108.10), dbSNP rs1949973481, ClinGen allele CA382919361.

ClinVar aggregate classification (germline): Uncertain significance (1 of 4 stars; one submission).

Conditions:
RASopathy. Also called: rasopathies; Noonan spectrum disorder. Identifiers: Orphanet 536391, MedGen C5555857, MONDO:0021060.

Allele frequency attached by ClinVar (database versions not stated): TOPMed below 0.00001.

Submission:

Labcorp Genetics (formerly Invitae), Labcorp
Classification: Uncertain significance for RASopathy. Last evaluated: 2025-04-07. Review status: criteria provided, single submitter. Criteria: Invitae Variant Classification Sherloc (09022015). Collection method: clinical testing. Allele origin: germline.
Comment: This sequence change replaces proline, which is neutral and non-polar, with leucine, which is neutral and non-polar, at codon 545 of the CBL protein (p.Pro545Leu). This variant is not present in population databases (gnomAD no frequency). This variant has not been reported in the literature in individuals affected with CBL-related conditions. ClinVar contains an entry for this variant (Variation ID: 962108). Invitae Evidence Modeling of protein sequence and biophysical properties (such as structural, functional, and spatial information, amino acid conservation, physicochemical variation, residue mobility, and thermodynamic stability) indicates that this missense variant is not expected to disrupt CBL protein function with a negative predictive value of 95%. In summary, the available evidence is currently insufficient to determine the role of this variant in disease. Therefore, it has been classified as a Variant of Uncertain Significance.